The following is an entry in ClinVar:

ClinVar aggregate classification (germline): Uncertain significance (1 of 4 stars; one submission).

Submission:

Labcorp Genetics (formerly Invitae), Labcorp
Classification: Uncertain significance. Last evaluated: 2019-06-21. Review status: criteria provided, single submitter. Criteria: Invitae Variant Classification Sherloc (09022015). Collection method: clinical testing. Allele origin: germline.
Comment: This sequence change replaces arginine with serine at codon 49 of the NTHL1 protein (p.Arg49Ser). The arginine residue is weakly conserved and there is a moderate physicochemical difference between arginine and serine. This variant is not present in population databases (ExAC no frequency). This variant has not been reported in the literature in individuals with NTHL1-related conditions. Algorithms developed to predict the effect of missense changes on protein structure and function (SIFT, PolyPhen-2, Align-GVGD) all suggest that this variant is likely to be tolerated, but these predictions have not been confirmed by published functional studies and their clinical significance is uncertain. In summary, the available evidence is currently insufficient to determine the role of this variant in disease. Therefore, it has been classified as a Variant of Uncertain Significance.

NM_002528.7(NTHL1):c.123G>T (p.Arg41Ser)

Gene: NTHL1 (nth like DNA glycosylase 1; minus strand). Cytogenetic location: 16p13.3.
Variant type: single nucleotide variant.
Coding change: c.123G>T on transcript NM_002528.7 (MANE Select); coding-DNA position 123, G replaced by T.
Protein change: p.Arg41Ser; replaces arginine 41 with serine.
Molecular consequence: missense variant. On other transcripts: 5 prime UTR variant (1).
Genome position (GRCh38, 1-based): chr16:2,046,359, C>A on the plus strand (G>T on the coding strand, the complement: NTHL1 is on the minus strand). VCF-style: chr16-2046359-C-A. GRCh37 (hg19) VCF-style: chr16-2096360-C-A.
Other names: c.123G>T, p.Arg41Ser (NM_001318193.2); c.-56G>T (NM_001318194.2); short protein forms R41S.
Identifiers: ClinVar variation 947043 (VCV000947043.8), dbSNP rs2084387412, ClinGen allele CA394298086.